The following is an entry in ClinVar:

NM_004793.4(LONP1):c.1700G>A (p.Gly567Asp)

Gene: LONP1 (lon peptidase 1, mitochondrial; minus strand). Cytogenetic location: 19p13.3.
Variant type: single nucleotide variant.
Coding change: c.1700G>A on transcript NM_004793.4 (MANE Select); coding-DNA position 1700, G replaced by A.
Protein change: p.Gly567Asp; replaces glycine 567 with aspartic acid.
Molecular consequence: missense variant. On other transcripts: non-coding transcript variant (1).
Genome position (GRCh38, 1-based): chr19:5,696,743, C>T on the plus strand (G>A on the coding strand, the complement: LONP1 is on the minus strand). VCF-style: chr19-5696743-C-T. GRCh37 (hg19) VCF-style: chr19-5696754-C-T.
Other names: c.1508G>A, p.Gly503Asp (NM_001276479.2); c.1112G>A, p.Gly371Asp (NM_001276480.1); short protein forms G371D, G503D, G567D.
Identifiers: ClinVar variation 1320492 (VCV001320492.2), dbSNP rs2145585477, ClinGen allele CA403529842.

ClinVar aggregate classification (germline): Uncertain significance (1 of 4 stars; one submission).

Submission:

GeneDx
Classification: Uncertain significance. Last evaluated: 2020-01-24. Review status: criteria provided, single submitter. Criteria: GeneDx Variant Classification Process June 2021. Collection method: clinical testing. Allele origin: germline. Affected: yes.
Comment: Not observed in large population cohorts (Lek et al., 2016); In silico analysis, which includes protein predictors and evolutionary conservation, supports a deleterious effect; Has not been previously published as pathogenic or benign to our knowledge